The following is an entry in ClinVar:

NM_000535.7(PMS2):c.1768A>G (p.Ile590Val)

Gene: PMS2 (PMS1 homolog 2, mismatch repair system component; minus strand). Cytogenetic location: 7p22.1.
Variant type: single nucleotide variant.
Coding change: c.1768A>G on transcript NM_000535.7 (MANE Select); coding-DNA position 1768, A replaced by G.
Protein change: p.Ile590Val; replaces isoleucine 590 with valine.
Molecular consequence: missense variant. On other transcripts: non-coding transcript variant (1).
Genome position (GRCh38, 1-based): chr7:5,986,997, T>C on the plus strand (A>G on the coding strand, the complement: PMS2 is on the minus strand). VCF-style: chr7-5986997-T-C. GRCh37 (hg19) VCF-style: chr7-6026628-T-C.
Other names: c.1363A>G, p.Ile455Val (NM_001322003.2, NM_001322004.2, NM_001322005.2 and 1 more transcripts); c.1612A>G, p.Ile538Val (NM_001322006.2); c.1450A>G, p.Ile484Val (NM_001322007.2, NM_001322008.2); c.1207A>G, p.Ile403Val (NM_001322010.2); c.835A>G, p.Ile279Val (NM_001322011.2, NM_001322012.2); c.1195A>G, p.Ile399Val (NM_001322013.2); c.1768A>G, p.Ile590Val (NM_001322014.2); c.1459A>G, p.Ile487Val (NM_001322015.2); short protein forms I590V, I455V, I279V, I487V, I538V, I399V, I403V, I484V.
Identifiers: ClinVar variation 484249 (VCV000484249.14), dbSNP rs63750476, ClinGen allele CA366739957.
Genomic context (GRCh38, chr7:5,986,997, plus strand): 5'-TCACAGCTACATCAACCTGAGAGGCTGACATGTCCTGAGTATTTACTAACTTTTGACAAA[T>C]GTCAGAACTGGAAAGAATTTCTTCTTTTTTAAAACGCTTTGTGTTTGGGGTTGCGAGATT-3'
Protein context (NP_000526.2, residues 580-600): KKEEILSSSD[Ile590Val]CQKLVNTQDM

ClinVar aggregate classification (germline): Conflicting classifications of pathogenicity. Review status: criteria provided, conflicting classifications (1 of 4 stars). 3 submissions from 3 submitters: Uncertain significance (2); Likely benign (1). Last evaluated 2025-10-15.

Conditions:
Hereditary cancer-predisposing syndrome. Also called: Neoplastic Syndromes, Hereditary; Tumor predisposition; Hereditary Cancer Syndrome; Hereditary neoplastic syndrome. Identifiers: Orphanet 140162, MedGen C0027672, MeSH D009386, MONDO:0015356.
Hereditary nonpolyposis colorectal neoplasms. Identifiers: MedGen C0009405, MeSH D003123.

Allele frequency attached by ClinVar (database versions not stated): gnomAD exomes below 0.00001.
gnomAD v4.1: 1 of 1,614,210 alleles (0.000062%); highest among the groups gnomAD compares: South Asian, 0.0011%; no homozygotes.

Submissions (3):

Labcorp Genetics (formerly Invitae), Labcorp
Classification: Uncertain significance for Hereditary nonpolyposis colorectal neoplasms. Last evaluated: 2025-10-15. Review status: criteria provided, single submitter. Criteria: Invitae Variant Classification Sherloc (09022015). Collection method: clinical testing. Allele origin: germline.
Comment: This sequence change replaces isoleucine, which is neutral and non-polar, with valine, which is neutral and non-polar, at codon 590 of the PMS2 protein (p.Ile590Val). This variant is not present in population databases (gnomAD no frequency). This missense change has been observed in individual(s) with PMS2-related conditions (PMID: 34326862). ClinVar contains an entry for this variant (Variation ID: 484249). Invitae Evidence Modeling of protein sequence and biophysical properties (such as structural, functional, and spatial information, amino acid conservation, physicochemical variation, residue mobility, and thermodynamic stability) indicates that this missense variant is not expected to disrupt PMS2 protein function with a negative predictive value of 80%. Experimental studies have shown that this missense change does not substantially affect PMS2 function (PMID: 35451539). In summary, the available evidence is currently insufficient to determine the role of this variant in disease. Therefore, it has been classified as a Variant of Uncertain Significance.

Color Diagnostics, LLC DBA Color Health
Classification: Uncertain significance for Hereditary cancer-predisposing syndrome. Last evaluated: 2024-03-06. Review status: criteria provided, single submitter. Criteria: ACMG Guidelines, 2015. Collection method: clinical testing. Allele origin: germline.
Comment: This missense variant replaces isoleucine with valine at codon 590 of the PMS2 protein. Computational prediction suggests that this variant may not impact protein structure and function (internally defined REVEL score threshold <= 0.5, PMID: 27666373). To our knowledge, functional studies have not been reported for this variant. This variant has not been reported in individuals affected with hereditary cancer in the literature. This variant has not been identified in the general population by the Genome Aggregation Database (gnomAD). The available evidence is insufficient to determine the role of this variant in disease conclusively. Therefore, this variant is classified as a Variant of Uncertain Significance.

Ambry Genetics
Classification: Likely benign for Hereditary cancer-predisposing syndrome. Last evaluated: 2018-08-08. Review status: criteria provided, single submitter. Criteria: Ambry Variant Classification Scheme 2023. Collection method: clinical testing. Allele origin: germline.

Literature cited by the submitters: PubMed 34326862 (cited by Labcorp Genetics (formerly Invitae), Labcorp); PubMed 35451539 (cited by Labcorp Genetics (formerly Invitae), Labcorp).